The following is an entry in ClinVar:

NM_002381.5(MATN3):c.302A>G (p.Lys101Arg)

Gene: MATN3 (matrilin 3; minus strand). Cytogenetic location: 2p24.1.
Variant type: single nucleotide variant.
Coding change: c.302A>G on transcript NM_002381.5 (MANE Select); coding-DNA position 302, A replaced by G.
Protein change: p.Lys101Arg; replaces lysine 101 with arginine.
Molecular consequence: missense variant.
Genome position (GRCh38, 1-based): chr2:20,006,232, T>C on the plus strand (A>G on the coding strand, the complement: MATN3 is on the minus strand). VCF-style: chr2-20006232-T-C. GRCh37 (hg19) VCF-style: chr2-20205993-T-C.
Other names: short protein forms K101R.
Identifiers: ClinVar variation 2580217 (VCV002580217.1), dbSNP rs2527703931, ClinGen allele CA345951373.

ClinVar aggregate classification (germline): Uncertain significance (1 of 4 stars; one submission).

Conditions:
Multiple epiphyseal dysplasia type 5 (EDM5). Also called: MATN3-Related Multiple Epiphyseal Dysplasia; Microepiphyseal dysplasia, bilateral hereditary. Identifiers: Orphanet 93311, MedGen C1846843, MONDO:0011765, OMIM 607078.

Allele frequency attached by ClinVar (database versions not stated): gnomAD exomes below 0.00001.
gnomAD v4.1: 3 of 1,612,616 alleles (0.00019%); highest among the groups gnomAD compares: Non-Finnish European, 0.00025%; no homozygotes.

Submission:

Illumina Laboratory Services, Illumina
Classification: Uncertain significance for Multiple epiphyseal dysplasia type 5. Last evaluated: 2023-04-03. Review status: criteria provided, single submitter. Criteria: ICSLVariantClassificationCriteria RUGD 01 April 2020. Collection method: clinical testing. Allele origin: unknown.
Comment: The MATN3 c.302A>G (p.Lys101Arg) missense variant results in the substitution of lysine at amino acid position 101 with arginine. To our knowledge, this variant has not been reported in the peer-reviewed literature. This variant is not found in version 2.1.1 or version 3.1.2 of the Genome Aggregation Database. The c.302A>G variant is located within exon 2, which encodes the A domain of matrillin-3 where most of the previously published disease-causing variants are located. This variant was identified in a de novo state. Based on the available evidence, the c.302A>G (p.Lys101Arg) variant is classified as a variant of uncertain significance for multiple epiphyseal dysplasia type 5.